The following is an entry in ClinVar:

NM_001267550.2(TTN):c.2022A>C (p.Arg674Ser)

Gene: TTN (titin; minus strand). Cytogenetic location: 2q31.2.
Variant type: single nucleotide variant.
Coding change: c.2022A>C on transcript NM_001267550.2 (MANE Select); coding-DNA position 2022, A replaced by C.
Protein change: p.Arg674Ser; replaces arginine 674 with serine.
Molecular consequence: missense variant.
Genome position (GRCh38, 1-based): chr2:178,789,414, T>G on the plus strand (A>C on the coding strand, the complement: TTN is on the minus strand). VCF-style: chr2-178789414-T-G. GRCh37 (hg19) VCF-style: chr2-179654141-T-G.
Other names: c.2022A>C, p.Arg674Ser (NM_133378.4, NM_001256850.1, NM_133379.5); c.1884A>C, p.Arg628Ser (NM_003319.4, NM_133432.3, NM_133437.4); c.2022A>C (NM_001267550.1); short protein forms R674S, R628S.
Identifiers: ClinVar variation 192096 (VCV000192096.15), dbSNP rs180694107, ClinGen allele CA238334.

ClinVar aggregate classification (germline): Conflicting classifications of pathogenicity. Review status: criteria provided, conflicting classifications (1 of 4 stars). 8 submissions from 8 submitters: Uncertain significance (7); Likely benign (1). Last evaluated 2026-06-12.

Conditions:
TTN-related disorder. Also called: TTN-related condition; TTN-related disease; TTN-related disorders.
Dilated cardiomyopathy 1G (CMD1G). Identifiers: Orphanet 154, MedGen C1858763, MONDO:0011400, OMIM 604145.
Autosomal recessive limb-girdle muscular dystrophy type 2J (LGMDR10). Also called: Limb-girdle muscular dystrophy, type 2J; MUSCULAR DYSTROPHY, LIMB-GIRDLE, AUTOSOMAL RECESSIVE 10. Identifiers: Orphanet 140922, MedGen C1837342, MONDO:0012127, OMIM 608807.

Allele frequency attached by ClinVar (database versions not stated): gnomAD exomes 0.00001; ExAC 0.00002; gnomAD 0.00002 and 0.00003; TOPMed 0.00002; 1000 Genomes Project 30x 0.00031; 1000 Genomes Project 0.00040.
gnomAD v4.1: 14 of 1,613,584 alleles (0.00087%); highest among the groups gnomAD compares: Admixed American, 0.023%; no homozygotes.

Submissions (8):

Women's Health and Genetics/Laboratory Corporation of America, LabCorp
Classification: Uncertain significance. Last evaluated: 2026-06-12. Review status: criteria provided, single submitter. Criteria: LabCorp Variant Classification Summary - May 2015. Collection method: clinical testing. Allele origin: germline.

PreventionGenetics, part of Exact Sciences
Classification: Uncertain significance for TTN-related condition. Last evaluated: 2026-04-14. Review status: criteria provided, single submitter. Criteria: ACMG Guidelines, 2015. Collection method: clinical testing. Allele origin: germline.
Comment: The TTN c.2022A>C variant is predicted to result in the amino acid substitution p.Arg674Ser. This variant has been reported as an incidental cardiac‑related finding in an exome cohort (Table S3, Ng et al. 2013. PubMed ID: 23861362). This variant is reported in 0.0058% of alleles in individuals of Latino descent in gnomAD. At this time, the clinical significance of this variant is uncertain due to the absence of conclusive functional and genetic evidence.

CeGaT Center for Human Genetics Tuebingen
Classification: Uncertain significance. Last evaluated: 2026-03-01. Review status: criteria provided, single submitter. Criteria: CeGaT Center For Human Genetics Tuebingen Variant Classification Criteria Version 2. Collection method: clinical testing. Allele origin: germline. Affected: yes. Observed: 1 variant allele.
Comment: TTN: PM2, BP4

Molecular Diagnostic Laboratory for Inherited Cardiovascular Disease, Montreal Heart Institute
Classification: Likely benign. Last evaluated: 2025-04-09. Review status: criteria provided, single submitter. Criteria: ACMG Guidelines, 2015. Collection method: clinical testing. Allele origin: germline. Affected: no.
Comment: BP1

GeneDx
Classification: Uncertain significance. Last evaluated: 2024-11-04. Review status: criteria provided, single submitter. Criteria: GeneDx Variant Classification Process June 2021. Collection method: clinical testing. Allele origin: germline. Affected: yes.
Comment: Reported previously as a variant of uncertain significance in a cohort of patients selected with a spectrum of coronary artery disease risk; however, no further clinical information was provided (PMID: 23861362); Not observed at significant frequency in large population cohorts (gnomAD); Missense variant in a gene in which most reported pathogenic variants are truncating/loss of function; This variant is associated with the following publications: (PMID: 23861362)

Labcorp Genetics (formerly Invitae), Labcorp
Classification: Uncertain significance for Dilated cardiomyopathy 1G; Autosomal recessive limb-girdle muscular dystrophy type 2J. Last evaluated: 2017-06-07. Review status: criteria provided, single submitter. Criteria: Invitae Variant Classification Sherloc (09022015). Collection method: clinical testing. Allele origin: germline.

Eurofins Ntd Llc (ga)
Classification: Uncertain significance. Last evaluated: 2014-11-20. Review status: criteria provided, single submitter. Criteria: EGL Classification Definitions 2015. Collection method: clinical testing. Allele origin: germline. Observed: 1 variant allele, 1 heterozygote.

Biesecker Lab/Clinical Genomics Section, National Institutes of Health
Classification: Uncertain significance. Last evaluated: 2013-06-24. Review status: criteria provided, single submitter. Criteria: Ng et al. (Circ Cardiovasc Genet. 2013). Collection method: research. Allele origin: unknown. Observed: 1 variant allele. Study: ClinSeq.
Comment: The study set was not selected for affection status in relation to any cancer. Pathogenicity categories were based on literature curation. See Pubmed ID:23861362 for details.

Medical sequencing